The following is an entry in ClinVar:

NM_001267550.2(TTN):c.61163C>G (p.Ala20388Gly)

Genes: TTN (titin; minus strand), TTN-AS1 (TTN antisense RNA 1; plus strand). Cytogenetic location: 2q31.2.
Variant type: single nucleotide variant.
Coding change: c.61163C>G on transcript NM_001267550.2 (MANE Select); coding-DNA position 61163, C replaced by G.
Protein change: p.Ala20388Gly; replaces alanine 20388 with glycine.
Molecular consequence: missense variant.
Genome position (GRCh38, 1-based): chr2:178,590,562, G>C on the plus strand (C>G on the coding strand, the complement: TTN is on the minus strand). VCF-style: chr2-178590562-G-C. GRCh37 (hg19) VCF-style: chr2-179455289-G-C.
Other names: c.53459C>G, p.Ala17820Gly (NM_133378.4); c.56240C>G, p.Ala18747Gly (NM_001256850.1); c.33968C>G, p.Ala11323Gly (NM_003319.4); c.34343C>G, p.Ala11448Gly (NM_133432.3); c.34544C>G, p.Ala11515Gly (NM_133437.4); short protein forms A20388G, A17820G, A11323G, A11448G, A18747G, A11515G.
Identifiers: ClinVar variation 47169 (VCV000047169.5), dbSNP rs397517648, ClinGen allele CA140209.

ClinVar aggregate classification (germline): Uncertain significance (1 of 4 stars; one submission).

Allele frequency attached by ClinVar (database versions not stated): TOPMed 0.00001; gnomAD exomes below 0.00001; gnomAD 0.00001.
gnomAD v4.1: 4 of 1,612,450 alleles (0.00025%); highest among the groups gnomAD compares: African/African-American, 0.0053%; no homozygotes.

Submission:

Laboratory for Molecular Medicine, Mass General Brigham Personalized Medicine
Classification: Uncertain significance. Last evaluated: 2013-03-06. Review status: criteria provided, single submitter. Criteria: LMM Criteria. Collection method: clinical testing. Allele origin: germline. Observed: 1 variant allele.
Comment: The Ala17820Gly variant in TTN has not been reported in the literature nor previ ously identified by our laboratory. This variant has not been identified in lar ge and broad European American and African American populations by the NHLBI Exo me Sequencing Project, though it may be comm on in other populations. Computational analyses (biochemical amino acid properti es, conservation, AlignGVGD, PolyPhen2, and SIFT) do not provide strong support for or against an impact to the protein. Additional studies are needed to fully assess the clinical significance of this variant.